The following is an entry in ClinVar:

NM_000051.4(ATM):c.3102T>C (p.Tyr1034=)

Gene: ATM (ATM serine/threonine kinase; plus strand). Cytogenetic location: 11q22.3.
Variant type: single nucleotide variant.
Coding change: c.3102T>C on transcript NM_000051.4 (MANE Select); coding-DNA position 3102, T replaced by C.
Protein change: p.Tyr1034=; no amino-acid change (tyrosine 1034 retained).
Molecular consequence: synonymous variant.
Genome position (GRCh38, 1-based): chr11:108,272,556, T>C. VCF-style: chr11-108272556-T-C. GRCh37 (hg19) VCF-style: chr11-108143283-T-C.
Other names: c.3102T>C, p.Tyr1034= (NM_001351834.2).
Identifiers: ClinVar variation 231127 (VCV000231127.21), dbSNP rs780240314, ClinGen allele CA6265195.

ClinVar aggregate classification (germline): Benign/Likely benign. Review status: criteria provided, multiple submitters, no conflicts (2 of 4 stars). 5 submissions from 5 submitters: Benign (1); Likely benign (4). Last evaluated 2026-01-19.

Conditions:
Ataxia-telangiectasia syndrome (AT). Also called: Ataxia telangiectasia (A-T); Ataxia-telangiectasia, complementation group E; LOUIS-BAR SYNDROME; Cerebello-oculocutaneous telangiectasia; Immunodeficiency with ataxia telangiectasia; Ataxia-telangiectasia, complementation group D. Identifiers: Orphanet 100, MedGen C0004135, MONDO:0008840, OMIM 208900.
Hereditary cancer-predisposing syndrome. Also called: Hereditary Cancer Syndrome; Neoplastic Syndromes, Hereditary; Tumor predisposition; Hereditary neoplastic syndrome. Identifiers: Orphanet 140162, MedGen C0027672, MeSH D009386, MONDO:0015356.
Familial cancer of breast. Also called: Hereditary breast cancer; hereditary breast carcinoma; BREAST CANCER, FAMILIAL. Identifiers: Orphanet 227535, MedGen C0346153, MONDO:0016419, OMIM 114480. Disease mechanism: loss of function.

Allele frequency attached by ClinVar (database versions not stated): ExAC 0.00001; gnomAD exomes 0.00001; gnomAD 0.00004; TOPMed 0.00004.

Submissions (5):

Labcorp Genetics (formerly Invitae), Labcorp
Classification: Likely benign for Ataxia-telangiectasia syndrome. Last evaluated: 2026-01-19. Review status: criteria provided, single submitter. Criteria: Invitae Variant Classification Sherloc (09022015). Collection method: clinical testing. Allele origin: germline.

Myriad Genetics, Inc.
Classification: Benign for Familial cancer of breast. Last evaluated: 2024-05-13. Review status: criteria provided, single submitter. Criteria: Myriad Autosomal Dominant, Autosomal Recessive and X-Linked Classification Criteria (2023). Collection method: clinical testing. Allele origin: unknown.
Comment: This variant is considered benign. This variant is a silent/synonymous amino acid change and it is not expected to impact splicing.

GeneDx
Classification: Likely benign. Last evaluated: 2019-08-30. Review status: criteria provided, single submitter. Criteria: GeneDx Variant Classification Process June 2021. Collection method: clinical testing. Allele origin: germline. Affected: yes.

Color Diagnostics, LLC DBA Color Health
Classification: Likely benign for Hereditary cancer-predisposing syndrome. Last evaluated: 2018-02-06. Review status: criteria provided, single submitter. Criteria: ACMG Guidelines, 2015. Collection method: clinical testing. Allele origin: germline.

Ambry Genetics
Classification: Likely benign for Hereditary cancer-predisposing syndrome. Last evaluated: 2015-03-31. Review status: criteria provided, single submitter. Criteria: Ambry Variant Classification Scheme 2023. Collection method: clinical testing. Allele origin: germline.